The following is an entry in ClinVar:

ClinVar aggregate classification (germline): Conflicting classifications of pathogenicity. Review status: criteria provided, conflicting classifications (1 of 4 stars). 4 submissions from 4 submitters: Pathogenic (1); Likely pathogenic (2); Uncertain significance (1). Last evaluated 2025-06-30.

Conditions:
Autosomal recessive SRD5A3-related disorders.
Abnormal optic nerve morphology. Also called: Abnormality of the optic nerve. Identifiers: MedGen C0029131, HP:0000587.

Submissions (4):

Variantyx, Inc.
Classification: Likely pathogenic for Autosomal recessive SRD5A3-related disorders. Last evaluated: 2025-06-30. Review status: criteria provided, single submitter. Criteria: Variantyx Assertion Criteria 2022. Collection method: clinical testing. Allele origin: germline. Inheritance: Autosomal recessive inheritance. Affected: no.
Comment: This is a frameshift variant in the SRD5A3 gene (OMIM: 611715). Pathogenic variants in this gene have been associated with autosomal recessive SRD5A3-related disorders. This variant introduces a premature termination codon in exon 4 out of 5 and is expected to result in loss of function, which is a known disease mechanism for SRD5A3 in this disorder (PMID: 36719165) (PVS1). This variant has been identified in the compound heterozygous state in at least 2 individuals reported in the published literature (PMID: 36719165) and has a 0.0097% maximum allele frequency in non-founder control populations (PM2). Based on the current evidence, this variant is classified as likely pathogenic for autosomal recessive SRD5A3-related disorders.

Clinical Genetics Laboratory, Skane University Hospital Lund
Classification: Pathogenic for Abnormal optic nerve morphology. Last evaluated: 2024-11-11. Review status: criteria provided, single submitter. Criteria: ACMG Guidelines, 2015. Collection method: clinical testing. Allele origin: germline. Affected: yes.
Comment: ACMG criteria used: PVS1, PS4_Moderate, PM2

Blueprint Genetics
Classification: Uncertain significance. Last evaluated: 2024-08-20. Review status: criteria provided, single submitter. Criteria: ACMG Guidelines, 2015. Collection method: clinical testing. Allele origin: germline.

GeneDx
Classification: Likely pathogenic. Last evaluated: 2021-01-28. Review status: criteria provided, single submitter. Criteria: GeneDx Variant Classification Process June 2021. Collection method: clinical testing. Allele origin: germline. Affected: yes.
Comment: Has not been previously published as pathogenic or benign to our knowledge; Frameshift variant in the C-terminus predicted to result in protein truncation, as the last 103 amino acids are lost and replaced with 6 incorrect amino acids; Not observed at a significant frequency in large population cohorts (Lek et al., 2016)

Literature cited by the submitters: PubMed 36719165 (cited by Variantyx, Inc.).

NM_024592.5(SRD5A3):c.645_670del (p.His216fs)

Genes: SRD5A3 (steroid 5 alpha-reductase 3; plus strand), SRD5A3-AS1 (SRD5A3 antisense RNA 1; minus strand). Cytogenetic location: 4q12.
Variant type: Deletion.
Coding change: c.645_670del on transcript NM_024592.5 (MANE Select); coding-DNA positions 645 to 670, 26 bases deleted (CCATCAGTATAAGTGCCATGTTATTC).
Protein change: p.His216fs; shifts the reading frame from histidine 216.
Molecular consequence: frameshift variant.
Genome position (GRCh38, 1-based): chr4:55,367,670-55,367,695, CCATCAGTATAAGTGCCATGTTATTC deleted; deleting any 26 consecutive bases within chr4:55,367,669-55,367,695 gives the same sequence; the c. name uses the placement nearest the transcript's 3' end. VCF-style (leftmost placement, unchanged base first): chr4-55367668-GCCCATCAGTATAAGTGCCATGTTATT-G. GRCh37 (hg19) VCF-style: chr4-56233835-GCCCATCAGTATAAGTGCCATGTTATT-G.
Other names: short protein forms H216fs.
Identifiers: ClinVar variation 1215726 (VCV001215726.5), dbSNP rs777551011, ClinGen allele CA2925350.